The following is an entry in ClinVar:

ClinVar aggregate classification (germline): Likely benign. Review status: criteria provided, single submitter (1 of 4 stars). 2 submissions from 2 submitters: Likely benign (1). 1 of the submissions does not count toward it. Last evaluated 2025-11-19.

Conditions:
PLXNA1-related disorder. Also called: PLXNA1-related condition.

Allele frequency attached by ClinVar (database versions not stated): ExAC 0.00006; ESP Exome Variant Server 0.00008; TOPMed 0.00014; gnomAD 0.00015; 1000 Genomes Project 30x 0.00016; 1000 Genomes Project 0.00020; gnomAD exomes 0.00023.
gnomAD v4.1: 347 of 1,612,382 alleles (0.022%); highest among the groups gnomAD compares: Non-Finnish European, 0.028%; no homozygotes.

Submissions (2):

Labcorp Genetics (formerly Invitae), Labcorp
Classification: Likely benign. Last evaluated: 2025-11-19. Review status: criteria provided, single submitter. Criteria: Invitae Variant Classification Sherloc (09022015). Collection method: clinical testing. Allele origin: germline.

PreventionGenetics, part of Exact Sciences
Classification: Likely benign for PLXNA1-related condition. Last evaluated: 2019-05-15. Review status: no assertion criteria provided. Collection method: clinical testing. Allele origin: germline. Not counted in ClinVar's aggregate classification.
Comment: This variant is classified as likely benign based on ACMG/AMP sequence variant interpretation guidelines (Richards et al. 2015 PMID: 25741868, with internal and published modifications).

NM_032242.4(PLXNA1):c.1308C>T (p.Ala436=)

Gene: PLXNA1 (plexin A1; plus strand). Cytogenetic location: 3q21.3.
Variant type: single nucleotide variant.
Coding change: c.1308C>T on transcript NM_032242.4 (MANE Select); coding-DNA position 1308, C replaced by T.
Protein change: p.Ala436=; no amino-acid change (alanine 436 retained).
Molecular consequence: synonymous variant.
Genome position (GRCh38, 1-based): chr3:126,991,497, C>T. VCF-style: chr3-126991497-C-T. GRCh37 (hg19) VCF-style: chr3-126710340-C-T.
Identifiers: ClinVar variation 3041537 (VCV003041537.3), dbSNP rs377390868, ClinGen allele CA2593184.